The following is an entry in ClinVar:

NM_000360.4(TH):c.438_439del (p.Ser146fs)

Gene: TH (tyrosine hydroxylase; minus strand). Cytogenetic location: 11p15.5.
Variant type: Deletion.
Coding change: c.438_439del on transcript NM_000360.4 (MANE Select); coding-DNA positions 438 to 439, 2 bases deleted (TG; older notation c.438_439delTG).
Protein change: p.Ser146fs; shifts the reading frame from serine 146.
Molecular consequence: frameshift variant.
Genome position (GRCh38, 1-based): chr11:2,168,539-2,168,540, CA deleted on the plus strand (TG on the coding strand, the reverse complement: TH is on the minus strand); deleting any 2 consecutive bases within chr11:2,168,539-2,168,541 gives the same sequence; the c. name uses the placement nearest the transcript's 3' end. VCF-style (leftmost placement, unchanged base first): chr11-2168538-CCA-C. GRCh37 (hg19) VCF-style: chr11-2189768-CCA-C.
Other names: c.450_451del, p.Ser150fs (NM_001440535.1, NM_001440536.1); c.438_439del, p.Ser146fs (NM_001440537.1); c.531_532del, p.Ser177fs (NM_199292.3); c.519_520del, p.Ser173fs (NM_199293.3); short protein forms S146fs, S150fs, S173fs, S177fs.
Identifiers: ClinVar variation 5012692 (VCV005012692.1).

ClinVar aggregate classification (germline): Pathogenic (1 of 4 stars; one submission).

Conditions:
TH-deficient dopa-responsive dystonia. Also called: Segawa syndrome, autosomal recessive; Tyrosine Hydroxylase-Deficient Dopa-Responsive Dystonia; DYT-TH. Identifiers: Orphanet 101150, MedGen C2673535, MONDO:0011551, OMIM 605407.

Submission:

Myriad Genetics, Inc.
Classification: Pathogenic for TH-deficient dopa-responsive dystonia. Last evaluated: 2024-01-30. Review status: criteria provided, single submitter. Criteria: Myriad Autosomal Dominant, Autosomal Recessive and X-Linked Classification Criteria (2023). Collection method: clinical testing. Allele origin: unknown.
Comment: NM_199292.2(TH):c.531_532delTG(S177Rfs*40) is expected to be pathogenic in the context of tyrosine hydroxylase deficiency. This variant is predicted to lead to an abnormal or absent protein product due to the creation of a premature termination codon in TH, a gene where loss-of-function variants are known to be pathogenic. Please note: this variant was assessed in the context of healthy population screening.